The following is an entry in ClinVar:

NM_000077.5(CDKN2A):c.343G>T (p.Val115Leu)

Gene: CDKN2A (cyclin dependent kinase inhibitor 2A; minus strand). Cytogenetic location: 9p21.3.
Variant type: single nucleotide variant.
Coding change: c.343G>T on transcript NM_000077.5; coding-DNA position 343, G replaced by T.
Protein change: p.Val115Leu; replaces valine 115 with leucine.
Molecular consequence: missense variant (on NM_000077.6). On other transcripts: 3 prime UTR variant (1).
Genome position (GRCh38, 1-based): chr9:21,971,016, C>A on the plus strand (G>T on the coding strand, the complement: CDKN2A is on the minus strand). VCF-style: chr9-21971016-C-A. GRCh37 (hg19) VCF-style: chr9-21971015-C-A.
Other names: c.343G>T, p.Val115Leu (NM_000077.6, NM_001195132.2); c.190G>T, p.Val64Leu (NM_001363763.2); c.386G>T, p.Arg129Leu (NM_058195.4); c.*266G>T (NM_058197.5); short protein forms R129L, V115L, V64L.
Identifiers: ClinVar variation 419130 (VCV000419130.27), dbSNP rs779913365, ClinGen allele CA16618824.
Genomic context (GRCh38, chr9:21,971,016, plus strand): 5'-CCGCAGCCGCGCGCAGGTACCGTGCGACATCGCGATGGCCCAGCTCCTCAGCCAGGTCCA[C>A]GGGCAGACGGCCCCAGGCATCGCGCACGTCCAGCCGCGCCCCGGCCCGGTGCAGCACCAC-3'
Protein context (NP_000068.1, residues 105-125): DVRDAWGRLP[Val115Leu]DLAEELGHRD

ClinVar aggregate classification (germline): Uncertain significance. Review status: criteria provided, multiple submitters, no conflicts (2 of 4 stars). 9 submissions from 9 submitters: Uncertain significance (9). Last evaluated 2026-06-26.

Conditions:
CDKN2A-related disorder. Also called: CDKN2A-related condition.
Familial melanoma. Also called: Hereditary melanoma; Hereditary cutaneous melanoma. Identifiers: Orphanet 618, MedGen C1512419, MONDO:0018961.
Hereditary cancer-predisposing syndrome. Also called: Hereditary Cancer Syndrome; Tumor predisposition; Hereditary neoplastic syndrome; Neoplastic Syndromes, Hereditary. Identifiers: Orphanet 140162, MedGen C0027672, MeSH D009386, MONDO:0015356.
Melanoma and neural system tumor syndrome. Also called: MELANOMA-ASTROCYTOMA SYNDROME. Identifiers: Orphanet 252206, MedGen C1835042, MONDO:0007967, OMIM 155755.
Melanoma-pancreatic cancer syndrome. Identifiers: Orphanet 404560, MedGen C1838547, MONDO:0011713, OMIM 606719. Disease mechanism: loss of function.

Allele frequency attached by ClinVar (database versions not stated): gnomAD 0.00001 and 0.00002; TOPMed 0.00003.
gnomAD v4.1: 32 of 1,607,650 alleles (0.002%); highest among the groups gnomAD compares: East Asian, 0.045%; no homozygotes.

Submissions (9):

PreventionGenetics, part of Exact Sciences
Classification: Uncertain significance for CDKN2A-related condition. Last evaluated: 2026-06-26. Review status: criteria provided, single submitter. Criteria: ACMG Guidelines, 2015. Collection method: clinical testing. Allele origin: germline.
Comment: The CDKN2A c.343G>T variant is predicted to result in the amino acid substitution p.Val115Leu. This variant has been reported in an individual with melanoma (Bokor et al. 2025. PubMed ID: 39609110) and in an individual with childhood acute lymphoblastic leukemia (Li et al. 2022. PubMed ID: 34369425). This amino acid alteration has also been reported in an individual with lung adenocarcinoma (Tian et al. 2020. PubMed ID: 31721094). Experimental studies show this variant does not impact CDKN2A function (Li et al. 2022. PubMed ID: 34369425). This variant is reported in 0.036% of alleles in individuals of East Asian descent in gnomAD and is interpreted as uncertain in ClinVar (Variation ID: 419130). At this time, the clinical significance of this variant is uncertain due to the absence of conclusive functional and genetic evidence.

Labcorp Genetics (formerly Invitae), Labcorp
Classification: Uncertain significance for Familial melanoma. Last evaluated: 2026-01-11. Review status: criteria provided, single submitter. Criteria: Invitae Variant Classification Sherloc (09022015). Collection method: clinical testing. Allele origin: germline.
Comment: The CDKN2A gene encodes two different proteins, p16INK4a and p14ARF, which are translated from alternative transcripts with different open reading frames. Both transcripts have been analyzed. We report either the variant with the higher classification or default to the CDKN2A (p16INK4a) variant. This report therefore includes the details for the CDKN2A (p16INK4a) variant. This sequence change replaces valine, which is neutral and non-polar, with leucine, which is neutral and non-polar, at codon 115 of the CDKN2A (p16INK4a) protein (p.Val115Leu). This variant is present in population databases (no rsID available, gnomAD 0.04%). This variant has not been reported in the literature in individuals affected with CDKN2A (p16INK4a)-related conditions. This variant is also known as c.386G>T (p.Arg129Leu) in the CDKN2A (p14ARF) transcript. ClinVar contains an entry for this variant (Variation ID: 419130). An algorithm developed to predict the effect of missense changes on protein structure and function (PolyPhen-2) suggests that this variant is likely to be tolerated. Experimental studies have shown that this missense change does not substantially affect CDKN2A (p16INK4a) function (PMID: 34369425). In summary, the available evidence is currently insufficient to determine the role of this variant in disease. Therefore, it has been classified as a Variant of Uncertain Significance.

Ambry Genetics
Classification: Uncertain significance for Hereditary cancer-predisposing syndrome. Last evaluated: 2025-05-09. Review status: criteria provided, single submitter. Criteria: Ambry Variant Classification Scheme 2023. Collection method: clinical testing. Allele origin: germline.
Comment: The p.V115L variant (also known as c.343G>T), located in coding exon 2 of the CDKN2A gene, results from a G to T substitution at nucleotide position 343. The valine at codon 115 is replaced by leucine, an amino acid with highly similar properties. Of note, this variant is also known as p.R129L (c.386G>T) in the p14(ARF) isoform. This amino acid position is not well conserved in available vertebrate species. In addition, this alteration is predicted to be tolerated by in silico analysis. Based on the available evidence, the clinical significance of this variant remains unclear.

Color Diagnostics, LLC DBA Color Health
Classification: Uncertain significance for Hereditary cancer-predisposing syndrome. Last evaluated: 2025-02-10. Review status: criteria provided, single submitter. Criteria: ACMG Guidelines, 2015. Collection method: clinical testing. Allele origin: germline.
Comment: The CDKN2A locus encodes two different gene products, p16INK4a and p14ARF. This missense variant replaces valine with leucine at codon 115 of the CDKN2A (p16INK4A) protein. Computational prediction suggests that this variant may not impact protein structure and function. To our knowledge, functional studies have not been reported for this variant. This variant has been reported in an individual affected with childhood acute lymphoblastic leukemia (PMID: 34369425). This variant has been identified in 7/270730 chromosomes in the general population by the Genome Aggregation Database (gnomAD). The available evidence is insufficient to determine the role of this variant in disease conclusively. Therefore, this variant is classified as a Variant of Uncertain Significance.

Baylor Genetics
Classification: Uncertain significance for Melanoma and neural system tumor syndrome. Last evaluated: 2023-12-08. Review status: criteria provided, single submitter. Criteria: ACMG Guidelines, 2015. Collection method: clinical testing. Allele origin: unknown.

Department of Pathology and Laboratory Medicine, Sinai Health System
Classification: Uncertain significance for melanoma-pancreatic cancer syndrome. Last evaluated: 2023-11-21. Review status: criteria provided, single submitter. Criteria: ACMG Guidelines, 2015. Collection method: clinical testing. Allele origin: germline. Affected: yes.

Quest Diagnostics Nichols Institute San Juan Capistrano
Classification: Uncertain significance. Last evaluated: 2022-11-03. Review status: criteria provided, single submitter. Criteria: Quest Diagnostics criteria. Collection method: clinical testing. Allele origin: unknown.
Comment: The frequency of this variant in the general population, 0.00036 (7/19332 chromosomes in East Asian subpopulation), is higher than would generally be expected for pathogenic variants in this gene. In the published literature, the c.343G>T (p.Val115Leu) variant has been reported as a somatic variant in individuals with Ewing Sarcoma (PMID: 27077911 (2016)) and laryngeal squamous cell carcinoma (PMID: 25149524 (2015)). Analysis of the c.343G>T (p.Val115Leu) variant using bioinformatics tools for the prediction of the effect of amino acid changes on protein structure and function yielded predictions that this variant is benign. Based on the available information, we are unable to determine the clinical significance of c.343G>T (p.Val115Leu) variant.

GeneDx
Classification: Uncertain significance. Last evaluated: 2021-08-27. Review status: criteria provided, single submitter. Criteria: GeneDx Variant Classification Process June 2021. Collection method: clinical testing. Allele origin: germline. Affected: yes.
Comment: In silico analysis supports that this missense variant has a deleterious effect on protein structure/function; Observed in an individual with lung cancer (Tian 2020); This variant is associated with the following publications: (PMID: 28536309, 31721094, 27077911, 10432931, 22561520, 25149524)

Women's Health and Genetics/Laboratory Corporation of America, LabCorp
Classification: Uncertain significance. Last evaluated: 2019-08-26. Review status: criteria provided, single submitter. Criteria: LabCorp Variant Classification Summary - May 2015. Collection method: clinical testing. Allele origin: germline.
Comment: Variant summary: CDKN2A c.343G>T (p.Val115Leu) results in a conservative amino acid change located in the Ankyrin repeat-containing domain (IPR020683) of the encoded protein sequence. Five of five in-silico tools predict a benign effect of the variant on protein function. The variant allele was found at a frequency of 2.1e-05 in 239340 control chromosomes, predominantly at a frequency of 0.00028 within the East Asian subpopulation in the gnomAD database. The available data on variant occurrences in the general population are insufficient to allow any conclusion about variant significance. To our knowledge, there are no reports of c.343G>T in individuals affected with Cutaneous Malignant Melanoma and no experimental evidence demonstrating an impact on protein function published in the literature. However, the variant has been predominantly reported as a somatic occurrence in multiple cancers (Ong_2012, Todorova_2015, Zhang_2016, Lih_2017). Three ClinVar submissions (evaluation after 2014) cites the variant as uncertain significance. Based on the evidence outlined above, the variant was classified as uncertain significance.

Literature cited by the submitters: PubMed 34369425 (cited by Labcorp Genetics (formerly Invitae), Labcorp and Color Diagnostics, LLC DBA Color Health); PubMed 31721094 (cited by Ambry Genetics and Department of Pathology and Laboratory Medicine, Sinai Health System); PubMed 25149524 (cited by 3 submitters); PubMed 27077911 (cited by 3 submitters); PubMed 22561520 (cited by Department of Pathology and Laboratory Medicine, Sinai Health System and Women's Health and Genetics/Laboratory Corporation of America, LabCorp); PubMed 28188106 (cited by Department of Pathology and Laboratory Medicine, Sinai Health System and Women's Health and Genetics/Laboratory Corporation of America, LabCorp).